The following is an entry in ClinVar:

NM_001365951.3(KIF1B):c.4804G>T (p.Gly1602Cys)

Gene: KIF1B (kinesin family member 1B; plus strand). Cytogenetic location: 1p36.22.
Variant type: single nucleotide variant.
Coding change: c.4804G>T on transcript NM_001365951.3 (MANE Select); coding-DNA position 4804, G replaced by T.
Protein change: p.Gly1602Cys; replaces glycine 1602 with cysteine.
Molecular consequence: missense variant.
Genome position (GRCh38, 1-based): chr1:10,368,518, G>T. VCF-style: chr1-10368518-G-T. GRCh37 (hg19) VCF-style: chr1-10428576-G-T.
Other names: c.4804G>T, p.Gly1602Cys (NM_001365952.1); c.4666G>T, p.Gly1556Cys (NM_015074.3); short protein forms G1602C, G1556C.
Identifiers: ClinVar variation 2697289 (VCV002697289.3), dbSNP rs1020134150, ClinGen allele CA338324519.

ClinVar aggregate classification (germline): Uncertain significance (1 of 4 stars; one submission).

Conditions:
Charcot-Marie-Tooth disease type 2. Also called: Charcot-Marie-Tooth type 2. Identifiers: Orphanet 64746, MedGen C0270914, MONDO:0018993.

gnomAD v4.1: 1 of 1,613,950 alleles (0.000062%); highest among the groups gnomAD compares: Non-Finnish European, 0.000085%; no homozygotes.

Submission:

Labcorp Genetics (formerly Invitae), Labcorp
Classification: Uncertain significance for Charcot-Marie-Tooth disease type 2. Last evaluated: 2023-11-19. Review status: criteria provided, single submitter. Criteria: Invitae Variant Classification Sherloc (09022015). Collection method: clinical testing. Allele origin: germline.
Comment: This sequence change replaces glycine, which is neutral and non-polar, with cysteine, which is neutral and slightly polar, at codon 1556 of the KIF1B protein (p.Gly1556Cys). This variant is not present in population databases (gnomAD no frequency). This variant has not been reported in the literature in individuals affected with KIF1B-related conditions. An algorithm developed to predict the effect of missense changes on protein structure and function (PolyPhen-2) suggests that this variant is likely to be disruptive. In summary, the available evidence is currently insufficient to determine the role of this variant in disease. Therefore, it has been classified as a Variant of Uncertain Significance.